The following is an entry in ClinVar:

ClinVar aggregate classification (germline): Uncertain significance. Review status: criteria provided, multiple submitters, no conflicts (2 of 4 stars). 2 submissions from 2 submitters: Uncertain significance (2). Last evaluated 2022-07-26.

Conditions:
Mucopolysaccharidosis, MPS-IV-A (MPS4A). Also called: Mucopolysaccharidosis type IV A; Mucopolysaccharidosis Type IVA; Morquio syndrome A, mild; MORQUIO SYNDROME A; MPS IVA; mucopolysaccharidosis type 4A. Identifiers: Orphanet 309297, Orphanet 582, MedGen C0086651, MONDO:0009659, OMIM 253000.

Submissions (2):

Revvity Omics, Revvity
Classification: Uncertain significance for Mucopolysaccharidosis, MPS-IV-A. Last evaluated: 2022-07-26. Review status: criteria provided, single submitter. Criteria: ACMG Guidelines, 2015. Collection method: clinical testing. Allele origin: germline.

Laboratory of Diagnosis and Therapy of Lysosomal Disorders, University of Padova
Classification: Uncertain significance for Mucopolysaccharidosis, MPS-IV-A. Last evaluated: 2021-02-01. Review status: criteria provided, single submitter. Criteria: ACMG Guidelines, 2015. Collection method: curation. Allele origin: germline. Affected: yes.
Comment: Absent from gnomAD v2.1.1 (PM2_moderate); multiple lines of computational evidence support a deleterious effect on the gene (PP3_supporting)

Literature cited by the submitters: PubMed 24120057 (cited by Laboratory of Diagnosis and Therapy of Lysosomal Disorders, University of Padova); PubMed 34387910 (cited by Laboratory of Diagnosis and Therapy of Lysosomal Disorders, University of Padova).

NM_000512.5(GALNS):c.911G>A (p.Gly304Asp)

Gene: GALNS (galactosamine (N-acetyl)-6-sulfatase; minus strand). Cytogenetic location: 16q24.3.
Variant type: single nucleotide variant.
Coding change: c.911G>A on transcript NM_000512.5 (MANE Select); coding-DNA position 911, G replaced by A.
Protein change: p.Gly304Asp; replaces glycine 304 with aspartic acid.
Molecular consequence: missense variant.
Genome position (GRCh38, 1-based): chr16:88,832,089, C>T on the plus strand (G>A on the coding strand, the complement: GALNS is on the minus strand). VCF-style: chr16-88832089-C-T. GRCh37 (hg19) VCF-style: chr16-88898497-C-T.
Other names: c.356G>A, p.Gly119Asp (NM_001323543.2); c.929G>A, p.Gly310Asp (NM_001323544.2); short protein forms G119D, G304D, G310D.
Identifiers: ClinVar variation 1048211 (VCV001048211.6), dbSNP rs758439379, ClinGen allele CA397101472.